The following is an entry in ClinVar:

NM_001278689.2(EOGT):c.305T>C (p.Met102Thr)

Gene: EOGT (EGF domain specific O-linked N-acetylglucosamine transferase; minus strand). Cytogenetic location: 3p14.1.
Variant type: single nucleotide variant.
Coding change: c.305T>C on transcript NM_001278689.2 (MANE Select); coding-DNA position 305, T replaced by C.
Protein change: p.Met102Thr; replaces methionine 102 with threonine.
Molecular consequence: missense variant. On other transcripts: non-coding transcript variant (1).
Genome position (GRCh38, 1-based): chr3:69,008,434, A>G on the plus strand (T>C on the coding strand, the complement: EOGT is on the minus strand). VCF-style: chr3-69008434-A-G. GRCh37 (hg19) VCF-style: chr3-69057585-A-G.
Other names: c.305T>C, p.Met102Thr (NM_173654.3); c.305T>C (NM_173654.1); short protein forms M102T.
Identifiers: ClinVar variation 1367713 (VCV001367713.7), dbSNP rs201325214, ClinGen allele CA2486989.

ClinVar aggregate classification (germline): Uncertain significance. Review status: criteria provided, multiple submitters, no conflicts (2 of 4 stars). 2 submissions from 2 submitters: Uncertain significance (2). Last evaluated 2025-11-26.

Conditions:
Adams-Oliver syndrome 4 (AOS4). Identifiers: Orphanet 974, MedGen C3809092, MONDO:0014124, OMIM 615297.
Inborn genetic diseases. Identifiers: MedGen C0950123, MeSH D030342.

Allele frequency attached by ClinVar (database versions not stated): ESP Exome Variant Server 0.00008; gnomAD 0.00011; gnomAD exomes 0.00012; TOPMed 0.00012; ExAC 0.00016; 1000 Genomes Project 30x 0.00031; 1000 Genomes Project 0.00040.

Submissions (2):

Ambry Genetics
Classification: Uncertain significance for Inborn genetic diseases. Last evaluated: 2025-11-26. Review status: criteria provided, single submitter. Criteria: Ambry Variant Classification Scheme 2023. Collection method: clinical testing. Allele origin: germline.

Labcorp Genetics (formerly Invitae), Labcorp
Classification: Uncertain significance for Adams-Oliver syndrome 4. Last evaluated: 2025-09-17. Review status: criteria provided, single submitter. Criteria: Invitae Variant Classification Sherloc (09022015). Collection method: clinical testing. Allele origin: germline.
Comment: This sequence change replaces methionine, which is neutral and non-polar, with threonine, which is neutral and polar, at codon 102 of the EOGT protein (p.Met102Thr). This variant is present in population databases (rs201325214, gnomAD 0.02%). This variant has not been reported in the literature in individuals affected with EOGT-related conditions. ClinVar contains an entry for this variant (Variation ID: 1367713). Invitae Evidence Modeling of protein sequence and biophysical properties (such as structural, functional, and spatial information, amino acid conservation, physicochemical variation, residue mobility, and thermodynamic stability) indicates that this missense variant is not expected to disrupt EOGT protein function with a negative predictive value of 80%. In summary, the available evidence is currently insufficient to determine the role of this variant in disease. Therefore, it has been classified as a Variant of Uncertain Significance.